The following is an entry in ClinVar:

ClinVar aggregate classification (germline): Uncertain significance (1 of 4 stars; one submission).

Conditions:
Immunodeficiency, common variable, 2 (CVID2). Also called: ANTIBODY DEFICIENCY DUE TO TACI DEFECT; HYPOGAMMAGLOBULINEMIA DUE TO TACI DEFICIENCY. Identifiers: Orphanet 1572, MedGen C3150354, MONDO:0009413, OMIM 240500.

Allele frequency attached by ClinVar (database versions not stated): ExAC 0.00002; 1000 Genomes Project 0.00020; gnomAD 0.00001; 1000 Genomes Project 30x 0.00016.
gnomAD v4.1: 9 of 1,611,096 alleles (0.00056%); highest among the groups gnomAD compares: South Asian, 0.0077%; no homozygotes.

Submission:

Neuberg Centre For Genomic Medicine, NCGM
Classification: Uncertain significance for Immunodeficiency, common variable, 2. Last evaluated: 2023-03-01. Review status: criteria provided, single submitter. Criteria: ACMG Guidelines, 2015. Collection method: clinical testing. Allele origin: germline. Inheritance: Autosomal dominant inheritance. Affected: yes.
Comment: The missense c.751C>T(p.Pro251Ser) variant in TNFRSF13B gene has not been reported previously as a pathogenic variant nor as a benign variant, to our knowledge. This variant is reported with the allele frequency of 0.0008% in the gnomAD Exomes and novel in 1000 Genomes. The amino acid Pro at position 251 is changed to a Ser changing protein sequence and it might alter its composition and physico-chemical properties. The amino acid change p.Pro251Ser in TNFRSF13B is predicted as conserved by GERP++ and PhyloP across 100 vertebrates. For these reasons, this variant has been classified as Uncertain Significance.

NM_012452.3(TNFRSF13B):c.751C>T (p.Pro251Ser)

Gene: TNFRSF13B (TNF receptor superfamily member 13B; minus strand). Cytogenetic location: 17p11.2.
Variant type: single nucleotide variant.
Coding change: c.751C>T on transcript NM_012452.3 (MANE Select); coding-DNA position 751, C replaced by T.
Protein change: p.Pro251Ser; replaces proline 251 with serine.
Molecular consequence: missense variant.
Genome position (GRCh38, 1-based): chr17:16,939,678, G>A on the plus strand (C>T on the coding strand, the complement: TNFRSF13B is on the minus strand). VCF-style: chr17-16939678-G-A. GRCh37 (hg19) VCF-style: chr17-16842992-G-A.
Other names: short protein forms P251S.
Identifiers: ClinVar variation 2671653 (VCV002671653.1), dbSNP rs568535162, ClinGen allele CA8413860.